The following is an entry in ClinVar:

ClinVar aggregate classification (germline): Likely pathogenic. Review status: criteria provided, single submitter (1 of 4 stars). 2 submissions from 2 submitters: Likely pathogenic (1). 1 of the submissions does not count toward it. Last evaluated 2025-03-03.

Conditions:
Pyruvate dehydrogenase E3 deficiency (DLDD). Also called: Dihydrolipoamide Dehydrogenase Deficiency; Dihydrolipoamide Dehydrogenase (E3) Deficiency; Lipoamide dehydrogenase deficiency, lactic acidosis due to; Lipoamide dehydrogenase deficiency; MAPLE SYRUP URINE DISEASE, TYPE III; Dihydrolipoamide Dehydrogenase E3 Deficiency. Identifiers: Orphanet 2394, Orphanet 765, MedGen C5574660, MONDO:0009529, OMIM 246900.

Allele frequency attached by ClinVar (database versions not stated): gnomAD exomes 0.00001.
gnomAD v4.1: 3 of 1,613,814 alleles (0.00019%); highest among the groups gnomAD compares: East Asian, 0.0045%; no homozygotes.

Submissions (2):

Natera, Inc.
Classification: Likely pathogenic for Maple syrup urine disease type 3. Last evaluated: 2025-03-03. Review status: criteria provided, single submitter. Criteria: Natera Variant Classification Schema (03/2026). Collection method: clinical testing. Allele origin: germline.
Comment: The c.214A>G variant in DLD is a missense variant predicted to cause substitution of lysine to glutamic acid at amino acid 72. This variant is rare in the general population with a frequency below the threshold expected for the associated phenotype(s). This variant has been observed in one or more individuals affected with the associated recessive disease, as either homozygous or compound heterozygous with a second variant (PMID: 8506365, 9764998). This variant has been identified in one or more affected individual with a phenotype highly consistent with the associated gene (PMID: 8506365). Computational prediction algorithms indicate this variant is likely to affect gene or protein function. Given the available evidence, this variant is classified as Likely Pathogenic.

OMIM
Classification: Pathogenic for DIHYDROLIPOAMIDE DEHYDROGENASE DEFICIENCY. Last evaluated: 2011-08-01. Review status: no assertion criteria provided. Collection method: literature only. Allele origin: germline. Not counted in ClinVar's aggregate classification.

Literature cited by the submitters: PubMed 8506365 (cited by Natera, Inc. and OMIM); PubMed 9764998 (cited by Natera, Inc.); PubMed 3769994 (cited by OMIM); PubMed 15712224 (cited by OMIM); PubMed 21558426 (cited by OMIM).

NM_000108.5(DLD):c.214A>G (p.Lys72Glu)

Gene: DLD (dihydrolipoamide dehydrogenase; plus strand). Cytogenetic location: 7q31.1.
Variant type: single nucleotide variant.
Coding change: c.214A>G on transcript NM_000108.5 (MANE Select); coding-DNA position 214, A replaced by G.
Protein change: p.Lys72Glu; replaces lysine 72 with glutamic acid.
Molecular consequence: missense variant. On other transcripts: intron variant (2).
Genome position (GRCh38, 1-based): chr7:107,902,340, A>G. VCF-style: chr7-107902340-A-G. GRCh37 (hg19) VCF-style: chr7-107542785-A-G.
Other names: c.214A>G (NM_000108.4); c.214A>G, p.Lys72Glu (NM_001289752.1); c.198+523A>G (NM_001289751.1); c.-30-1138A>G (NM_001289750.1); short protein forms K72E.
Identifiers: ClinVar variation 11964 (VCV000011964.2), dbSNP rs121964987, ClinGen allele CA256132.